The following is an entry in ClinVar:

ClinVar aggregate classification (germline): Conflicting classifications of pathogenicity. Review status: criteria provided, conflicting classifications (1 of 4 stars). 6 submissions from 6 submitters: Uncertain significance (1); Benign (2); Likely benign (3). Last evaluated 2026-02-01.

Conditions:
MHC class II deficiency 1 (MHC2D1). Also called: SCID, HLA CLASS II-NEGATIVE; BARE LYMPHOCYTE SYNDROME, TYPE II, COMPLEMENTATION GROUP A; Bare lymphocyte syndrome type 2, complementation group A. Identifiers: MedGen C1859534, MONDO:0971005, OMIM 209920.
MHC class II deficiency. Also called: Bare lymphocyte syndrome 2; BLS, TYPE II. Identifiers: Orphanet 572, MedGen C5447452, MONDO:0008855.

Allele frequency attached by ClinVar (database versions not stated): ESP Exome Variant Server 0.00069; TOPMed 0.00171; gnomAD 0.00173; 1000 Genomes Project 30x 0.00234; 1000 Genomes Project 0.00240.
gnomAD v4.1: 1,652 of 1,613,584 alleles (0.1%); highest among the groups gnomAD compares: Admixed American, 0.76%; 4 homozygotes.

Submissions (6):

Labcorp Genetics (formerly Invitae), Labcorp
Classification: Benign for MHC class II deficiency. Last evaluated: 2026-02-01. Review status: criteria provided, single submitter. Criteria: Invitae Variant Classification Sherloc (09022015). Collection method: clinical testing. Allele origin: germline.

CeGaT Center for Human Genetics Tuebingen
Classification: Likely benign. Last evaluated: 2025-05-01. Review status: criteria provided, single submitter. Criteria: CeGaT Center For Human Genetics Tuebingen Variant Classification Criteria Version 2. Collection method: clinical testing. Allele origin: germline. Affected: yes. Observed: 2 variant alleles.
Comment: RFX5: BP4, BS2

Blueprint Genetics
Classification: Likely benign. Last evaluated: 2024-11-26. Review status: criteria provided, single submitter. Criteria: ACMG Guidelines, 2015. Collection method: clinical testing. Allele origin: germline.

Fulgent Genetics
Classification: Likely benign for MHC class II deficiency 1. Last evaluated: 2022-05-20. Review status: criteria provided, single submitter. Criteria: ACMG Guidelines, 2015. Collection method: clinical testing. Allele origin: unknown.

Illumina Laboratory Services, Illumina
Classification: Benign for MHC class II deficiency 1. Last evaluated: 2017-04-27. Review status: criteria provided, single submitter. Criteria: ICSL Variant Classification Criteria 13 December 2019. Collection method: clinical testing. Allele origin: germline.
Comment: This variant was observed as part of a predisposition screen in an ostensibly healthy population. A literature search was performed for the gene, cDNA change, and amino acid change (where applicable). No publications were found based on this search. Allele frequency data from public databases was too high to be consistent with this variant causing disease. Therefore, this variant is classified as benign.

Center for Genomics, Ann and Robert H. Lurie Children's Hospital of Chicago
Classification: Uncertain significance for MHC class II deficiency 1. Review status: criteria provided, single submitter. Criteria: ACMG Guidelines, 2015. Collection method: clinical testing. Allele origin: germline.
Comment: This variant has not been reported in the literature but is present in the Genome Aggregation Database (Highest reported MAF 1.1% (183/15280). This variant is present in ClinVar, with multiple labs classifying this variant as Benign (Variation ID:709357). This variant is an intronic variant with no predicted change in the amino acid sequence but may have an unknown effect on splicing.

NM_001025603.2(RFX5):c.233+4G>C

Gene: RFX5 (regulatory factor X5; minus strand). Cytogenetic location: 1q21.3.
Variant type: single nucleotide variant.
Coding change: c.233+4G>C on transcript NM_001025603.2 (MANE Select); 4 bases into the intron after coding-DNA position 233, G replaced by C.
Molecular consequence: intron variant.
Genome position (GRCh38, 1-based): chr1:151,345,102, C>G on the plus strand (G>C on the coding strand, the complement: RFX5 is on the minus strand). VCF-style: chr1-151345102-C-G. GRCh37 (hg19) VCF-style: chr1-151317578-C-G.
Other names: c.233+4G>C (NM_001379419.1, NM_000449.4, NM_001379413.1 and 7 more transcripts).
Identifiers: ClinVar variation 709357 (VCV000709357.42), dbSNP rs2233846, ClinGen allele CA1089903.